The following is an entry in ClinVar:

ClinVar aggregate classification (germline): Uncertain significance (0 of 4 stars; one submission).

Conditions:
F7-related disorder. Also called: F7-related condition.

Submission:

PreventionGenetics, part of Exact Sciences
Classification: Uncertain significance for F7-related condition. Last evaluated: 2024-01-19. Review status: no assertion criteria provided. Collection method: clinical testing. Allele origin: germline.
Comment: The F7 c.1207G>T variant is predicted to result in the amino acid substitution p.Asp403Tyr. To our knowledge, this variant has not been reported in the literature; however, different missense substitutions at this same codon (p.Asp403His; p.Asp403Asn) have been reported in association with factor VII deficiency (Wulff et al. 2000. PubMed ID: 10862079; Giansily-Blaizot et al. 2001. PubMed ID: 11313743) suggesting that substitution of amino acid residue p.Asp403 is not tolerated. This variant is not reported in a large population database, indicating this variant is rare. Although we suspect that this variant may be pathogenic, at this time, the clinical significance of this variant is uncertain due to the absence of conclusive functional and genetic evidence.

NM_019616.4(F7):c.1141G>T (p.Asp381Tyr)

Gene: F7 (coagulation factor VII; plus strand). Cytogenetic location: 13q34.
Variant type: single nucleotide variant.
Coding change: c.1141G>T on transcript NM_019616.4 (MANE Select); coding-DNA position 1141, G replaced by T.
Protein change: p.Asp381Tyr; replaces aspartic acid 381 with tyrosine.
Molecular consequence: missense variant. On other transcripts: non-coding transcript variant (1).
Genome position (GRCh38, 1-based): chr13:113,118,814, G>T. VCF-style: chr13-113118814-G-T. GRCh37 (hg19) VCF-style: chr13-113773128-G-T.
Other names: c.1207G>T, p.Asp403Tyr (NM_000131.5); c.955G>T, p.Asp319Tyr (NM_001267554.2); short protein forms D319Y, D381Y, D403Y.
Identifiers: ClinVar variation 3034368 (VCV003034368.2), dbSNP rs773186886, ClinGen allele CA256461823.